The following is an entry in ClinVar:

ClinVar aggregate classification (germline): Pathogenic (1 of 4 stars; one submission).

Submission:

Labcorp Genetics (formerly Invitae), Labcorp
Classification: Pathogenic. Last evaluated: 2022-12-21. Review status: criteria provided, single submitter. Criteria: Invitae Variant Classification Sherloc (09022015). Collection method: clinical testing. Allele origin: unknown.
Comment: For these reasons, this variant has been classified as Pathogenic. This variant disrupts a region of the USH2A protein in which other variant(s) (p.Phe1868Cys) have been determined to be pathogenic (PMID: 22135276, 28041643, 29142287). This suggests that this is a clinically significant region of the protein, and that variants that disrupt it are likely to be disease-causing. This variant has not been reported in the literature in individuals affected with USH2A-related conditions. This variant is a gross deletion of the genomic region encompassing exon(s) 25-30 of the USH2A gene. This variant would be expected to be in-frame, preserving the integrity of the reading frame.

Literature cited by the submitters: PubMed 22135276; PubMed 28041643; PubMed 29142287.

NC_000001.10:g.(?_216243423)_(216258239_?)del

Gene: USH2A (usherin; minus strand). Cytogenetic location: 1q41.
Variant type: Deletion.
Identifiers: ClinVar variation 3248057 (VCV003248057.1).